The following is an entry in ClinVar:

NM_005219.5(DIAPH1):c.3705G>A (p.Ser1235=)

Gene: DIAPH1 (diaphanous related formin 1; minus strand). Cytogenetic location: 5q31.3.
Variant type: single nucleotide variant.
Coding change: c.3705G>A on transcript NM_005219.5 (MANE Select); coding-DNA position 3705, G replaced by A.
Protein change: p.Ser1235=; no amino-acid change (serine 1235 retained).
Molecular consequence: synonymous variant. On other transcripts: 3 prime UTR variant (1).
Genome position (GRCh38, 1-based): chr5:141,516,965, C>T on the plus strand (G>A on the coding strand, the complement: DIAPH1 is on the minus strand). VCF-style: chr5-141516965-C-T. GRCh37 (hg19) VCF-style: chr5-140896532-C-T.
Other names: c.3705G>A (NM_005219.4); c.3678G>A, p.Ser1226= (NM_001079812.3); c.*5G>A (NM_001314007.2).
Identifiers: ClinVar variation 1511434 (VCV001511434.11), dbSNP rs776296177, ClinGen allele CA3478672.

ClinVar aggregate classification (germline): Likely benign. Review status: criteria provided, multiple submitters, no conflicts (2 of 4 stars). 3 submissions from 3 submitters: Likely benign (2). 1 of the submissions does not count toward it. Last evaluated 2025-04-29.

Conditions:
Progressive microcephaly-seizures-cortical blindness-developmental delay syndrome. Also called: Seizures, cortical blindness, and microcephaly syndrome. Identifiers: Orphanet 477814, MedGen C5567650, MONDO:0014714, OMIM 616632.
Autosomal dominant nonsyndromic hearing loss 1. Also called: DEAFNESS, AUTOSOMAL DOMINANT 1, WITH OR WITHOUT THROMBOCYTOPENIA; KONIGSMARK SYNDROME. Identifiers: Orphanet 90635, MedGen C1852282, MONDO:0007424, OMIM 124900.
DIAPH1-related disorder. Also called: DIAPH1-related condition.

Allele frequency attached by ClinVar (database versions not stated): TOPMed 0.00001; gnomAD 0.00002 and 0.00003; gnomAD exomes 0.00002 and 0.00004; ExAC 0.00005.

Submissions (3):

Labcorp Genetics (formerly Invitae), Labcorp
Classification: Likely benign for Progressive microcephaly-seizures-cortical blindness-developmental delay syndrome; Autosomal dominant nonsyndromic hearing loss 1. Last evaluated: 2025-04-29. Review status: criteria provided, single submitter. Criteria: Invitae Variant Classification Sherloc (09022015). Collection method: clinical testing. Allele origin: germline.

Blueprint Genetics
Classification: Likely benign. Last evaluated: 2024-04-15. Review status: criteria provided, single submitter. Criteria: ACMG Guidelines, 2015. Collection method: clinical testing. Allele origin: germline.

PreventionGenetics, part of Exact Sciences
Classification: Likely benign for DIAPH1-related condition. Last evaluated: 2020-12-21. Review status: no assertion criteria provided. Collection method: clinical testing. Allele origin: germline. Not counted in ClinVar's aggregate classification.
Comment: This variant is classified as likely benign based on ACMG/AMP sequence variant interpretation guidelines (Richards et al. 2015 PMID: 25741868, with internal and published modifications).